The following is an entry in ClinVar:

ClinVar aggregate classification (germline): Uncertain significance (1 of 4 stars; one submission).

Conditions:
MASP2-related disorder. Also called: MASP2-related condition.

Submission:

PreventionGenetics, part of Exact Sciences
Classification: Uncertain significance for MASP2-related condition. Last evaluated: 2025-05-24. Review status: criteria provided, single submitter. Criteria: ACMG Guidelines, 2015. Collection method: clinical testing. Allele origin: germline.
Comment: The MASP2 c.323C>T variant is predicted to result in the amino acid substitution p.Ser108Leu. To our knowledge, this variant has not been reported in the literature. This variant is reported in 0.0047% of alleles in individuals of European (Non-Finnish) descent in gnomAD. At this time, the clinical significance of this variant is uncertain due to the absence of conclusive functional and genetic evidence.

NM_006610.4(MASP2):c.323C>T (p.Ser108Leu)

Gene: MASP2 (MBL associated serine protease 2; minus strand). Cytogenetic location: 1p36.22.
Variant type: single nucleotide variant.
Coding change: c.323C>T on transcript NM_006610.4 (MANE Select); coding-DNA position 323, C replaced by T.
Protein change: p.Ser108Leu; replaces serine 108 with leucine.
Molecular consequence: missense variant.
Genome position (GRCh38, 1-based): chr1:11,046,645, G>A on the plus strand (C>T on the coding strand, the complement: MASP2 is on the minus strand). VCF-style: chr1-11046645-G-A. GRCh37 (hg19) VCF-style: chr1-11106702-G-A.
Other names: c.323C>T, p.Ser108Leu (NM_139208.3); short protein forms S108L.
Identifiers: ClinVar variation 4978324 (VCV004978324.1).